The following is an entry in ClinVar:

NM_001371904.1(APOA5):c.103A>G (p.Ser35Gly)

Genes: APOA5 (apolipoprotein A5; minus strand), LOC108491825 (enhancer-blocking element 11-1-2 overlapping APOA5; plus strand). Cytogenetic location: 11q23.3.
Variant type: single nucleotide variant.
Coding change: c.103A>G on transcript NM_001371904.1 (MANE Select); coding-DNA position 103, A replaced by G.
Protein change: p.Ser35Gly; replaces serine 35 with glycine.
Molecular consequence: missense variant.
Genome position (GRCh38, 1-based): chr11:116,791,644, T>C on the plus strand (A>G on the coding strand, the complement: APOA5 is on the minus strand). VCF-style: chr11-116791644-T-C. GRCh37 (hg19) VCF-style: chr11-116662360-T-C.
Other names: c.103A>G, p.Ser35Gly (NM_001166598.2, NM_052968.5); short protein forms S35G.
Identifiers: ClinVar variation 4751344 (VCV004751344.1).

ClinVar aggregate classification (germline): Uncertain significance (1 of 4 stars; one submission).

gnomAD v4.1: 21 of 1,610,602 alleles (0.0013%); highest among the groups gnomAD compares: East Asian, 0.045%; no homozygotes.

Submission:

Labcorp Genetics (formerly Invitae), Labcorp
Classification: Uncertain significance. Last evaluated: 2025-11-01. Review status: criteria provided, single submitter. Criteria: Invitae Variant Classification Sherloc (09022015). Collection method: clinical testing. Allele origin: germline.
Comment: This sequence change replaces serine, which is neutral and polar, with glycine, which is neutral and non-polar, at codon 35 of the APOA5 protein (p.Ser35Gly). This variant is present in population databases (rs765565265, gnomAD 0.1%). This missense change has been observed in individual(s) with dyslipidemia (PMID: 36325899). An algorithm developed to predict the effect of missense changes on protein structure and function outputs the following: PolyPhen-2: "Benign". The glycine amino acid residue is found in multiple mammalian species, which suggests that this missense change does not adversely affect protein function. In summary, the available evidence is currently insufficient to determine the role of this variant in disease. Therefore, it has been classified as a Variant of Uncertain Significance.

Literature cited by the submitters: PubMed 36325899.